The following is an entry in ClinVar:

NM_006087.4(TUBB4A):c.895A>T (p.Met299Leu)

Gene: TUBB4A (tubulin beta 4A class IVa; minus strand). Cytogenetic location: 19p13.3.
Variant type: single nucleotide variant.
Coding change: c.895A>T on transcript NM_006087.4 (MANE Select); coding-DNA position 895, A replaced by T.
Protein change: p.Met299Leu; replaces methionine 299 with leucine.
Molecular consequence: missense variant.
Genome position (GRCh38, 1-based): chr19:6,495,604, T>A on the plus strand (A>T on the coding strand, the complement: TUBB4A is on the minus strand). VCF-style: chr19-6495604-T-A. GRCh37 (hg19) VCF-style: chr19-6495615-T-A.
Other names: c.1048A>T, p.Met350Leu (NM_001289123.2); c.1030A>T, p.Met344Leu (NM_001289127.2); c.895A>T, p.Met299Leu (NM_001289129.2); c.679A>T, p.Met227Leu (NM_001289130.2, NM_001289131.2); short protein forms M299L, M350L, M227L, M344L.
Identifiers: ClinVar variation 429972 (VCV000429972.2), dbSNP rs1131691705, ClinGen allele CA403590568.

ClinVar aggregate classification (germline): Uncertain significance (1 of 4 stars; one submission).

Submission:

GeneDx
Classification: Uncertain significance. Last evaluated: 2017-05-18. Review status: criteria provided, single submitter. Criteria: GeneDx Variant Classification (06012015). Collection method: clinical testing. Allele origin: germline. Affected: yes.
Comment: A variant of uncertain significance has been identified in the TUBB4A gene. The M299L variant has not been published as a pathogenic variant, nor has it been reported as a benign variant to our knowledge. The M299L variant is not observed in large population cohorts (Lek et al., 2016; 1000 Genomes Consortium et al., 2015; Exome Variant Server). This substitution occurs at a position that is conserved across species. However, the M299L variant is a conservative amino acid substitution, which is not likely to impact secondary protein structure as these residues share similar properties. In silico analysis is inconsistent in its predictions as to whether or not the variant is damaging to the protein structure/function. Therefore, based on the currently available information, it is unclear whether this variant is a pathogenic variant or a rare benign variant.